The following is an entry in ClinVar:

ClinVar aggregate classification (germline): Uncertain significance (1 of 4 stars; one submission).

Conditions:
Loeys-Dietz syndrome 2 (LDS2). Also called: Marfan syndrome, type 2 (formerly); AORTIC ANEURYSM, FAMILIAL THORACIC 3; MARFAN SYNDROME, TYPE II; TGFBR2-Related Loeys-Dietz Syndrome; Marfan Syndrome type 2; Marfan like connective tissue disorder. Identifiers: Orphanet 284973, Orphanet 558, MedGen C2674574, MONDO:0012427, OMIM 610168.

Submission:

Labcorp Genetics (formerly Invitae), Labcorp
Classification: Uncertain significance for Loeys-Dietz syndrome 2. Last evaluated: 2025-02-25. Review status: criteria provided, single submitter. Criteria: Invitae Variant Classification Sherloc (09022015). Collection method: clinical testing. Allele origin: germline.
Comment: This variant, c.931_933del, results in the deletion of 1 amino acid(s) of the TMPO protein (p.Pro311del), but otherwise preserves the integrity of the reading frame. This variant is present in population databases (no rsID available, gnomAD 0.006%). This variant has not been reported in the literature in individuals affected with TMPO-related conditions. Experimental studies and prediction algorithms are not available or were not evaluated, and the functional significance of this variant is currently unknown. In summary, the available evidence is currently insufficient to determine the role of this variant in disease. Therefore, it has been classified as a Variant of Uncertain Significance.

NM_001032283.3(TMPO):c.565+1350_565+1352del

Gene: TMPO (thymopoietin; plus strand). Cytogenetic location: 12q23.1.
Variant type: Deletion.
Coding change: c.565+1350_565+1352del on transcript NM_001032283.3 (MANE Select); bases 1350 to 1352 of the intron after coding-DNA position 565, 3 bases deleted (CCT; older notation c.565+1350_565+1352delCCT).
Molecular consequence: intron variant.
Genome position (GRCh38, 1-based): chr12:98,533,188-98,533,190, CCT deleted; deleting any 3 consecutive bases within chr12:98,533,186-98,533,190 gives the same sequence; the c. name uses the placement nearest the transcript's 3' end. VCF-style (leftmost placement, unchanged base first): chr12-98533185-TCTC-T. GRCh37 (hg19) VCF-style: chr12-98926963-TCTC-T.
Other names: c.931_933del, p.Pro311del (NM_003276.2); c.565+1350_565+1352del (NM_001307975.2, NM_001032284.3); short protein forms P311del.
Identifiers: ClinVar variation 4798494 (VCV004798494.1).